The following is an entry in ClinVar:

NM_001080467.3(MYO5B):c.5395-6C>T

Genes: MYO5B (myosin VB; minus strand), SNHG22 (small nucleolar RNA host gene 22; plus strand). Cytogenetic location: 18q21.1.
Variant type: single nucleotide variant.
Coding change: c.5395-6C>T on transcript NM_001080467.3 (MANE Select); 6 bases into the intron before coding-DNA position 5395, C replaced by T.
Molecular consequence: intron variant.
Genome position (GRCh38, 1-based): chr18:49,826,629, G>A on the plus strand (C>T on the coding strand, the complement: MYO5B is on the minus strand). VCF-style: chr18-49826629-G-A. GRCh37 (hg19) VCF-style: chr18-47352999-G-A.
Identifiers: ClinVar variation 326999 (VCV000326999.58), dbSNP rs140275825, ClinGen allele CA8960043.
Genomic context (GRCh38, chr18:49,826,629, plus strand): 5'-TGTGCTTGGCATCTAATAGCAGTTGCTGAGGGTCATTCCGCTCTTGTAGTTGTGCCTATG[G>A]GGAAGAATAAGACCATGTAAAGTTTGAGTACCCCTAAAAATAGCCAGTTTAAGTGAATTC-3'

ClinVar aggregate classification (germline): Benign/Likely benign. Review status: criteria provided, multiple submitters, no conflicts (2 of 4 stars). 4 submissions from 4 submitters: Benign (1); Likely benign (3). Last evaluated 2026-02-01.

Conditions:
Congenital microvillous atrophy (DIAR2). Also called: CONGENITAL FAMILIAL PROTRACTED DIARRHEA WITH ENTEROCYTE BRUSH-BORDER ABNORMALITIES; DAVIDSON DISEASE; Microvillus inclusion disease; Diarrhea 2 with microvillus atrophy, with or without cholestasis; MICROVILLUS ATROPHY, CONGENITAL. Identifiers: Orphanet 2290, MedGen C0341306, MONDO:0009635, OMIM 251850.

Allele frequency attached by ClinVar (database versions not stated): 1000 Genomes Project 0.00120; 1000 Genomes Project 30x 0.00125; ExAC 0.00290; gnomAD 0.00315 and 0.00317; gnomAD exomes 0.00319 and 0.00431; TOPMed 0.00331; ESP Exome Variant Server 0.00384.
gnomAD v4.1: 6,828 of 1,612,710 alleles (0.42%); highest among the groups gnomAD compares: Middle Eastern, 0.76%; 21 homozygotes.

Submissions (4):

Labcorp Genetics (formerly Invitae), Labcorp
Classification: Benign. Last evaluated: 2026-02-01. Review status: criteria provided, single submitter. Criteria: Invitae Variant Classification Sherloc (09022015). Collection method: clinical testing. Allele origin: germline.

CeGaT Center for Human Genetics Tuebingen
Classification: Likely benign. Last evaluated: 2025-01-01. Review status: criteria provided, single submitter. Criteria: CeGaT Center For Human Genetics Tuebingen Variant Classification Criteria Version 2. Collection method: clinical testing. Allele origin: germline. Affected: yes. Observed: 10 variant alleles.
Comment: MYO5B: BP4, BS2

Blueprint Genetics
Classification: Likely benign. Last evaluated: 2024-11-28. Review status: criteria provided, single submitter. Criteria: ACMG Guidelines, 2015. Collection method: clinical testing. Allele origin: germline.

Illumina Laboratory Services, Illumina
Classification: Likely benign for Congenital microvillous atrophy. Last evaluated: 2018-01-13. Review status: criteria provided, single submitter. Criteria: ICSL Variant Classification Criteria 13 December 2019. Collection method: clinical testing. Allele origin: germline.
Comment: This variant was observed in the ICSL laboratory as part of a predisposition screen in an ostensibly healthy population. It had not been previously curated by ICSL or reported in the Human Gene Mutation Database (HGMD: prior to June 1st, 2018), and was therefore a candidate for classification through an automated scoring system. Utilizing variant allele frequency, disease prevalence and penetrance estimates, and inheritance mode, an automated score was calculated to assess if this variant is too frequent to cause the disease. Based on the score and internal cut-off values, a variant classified as likely benign is not then subjected to further curation. The score for this variant resulted in a classification of likely benign for this disease.